The following is an entry in ClinVar:

NM_001103.4(ACTN2):c.2367+108C>T

Gene: ACTN2 (actinin alpha 2; plus strand). Cytogenetic location: 1q43.
Variant type: single nucleotide variant.
Coding change: c.2367+108C>T on transcript NM_001103.4 (MANE Select); 108 bases into the intron after coding-DNA position 2367, C replaced by T.
Molecular consequence: intron variant.
Genome position (GRCh38, 1-based): chr1:236,759,897, C>T. VCF-style: chr1-236759897-C-T. GRCh37 (hg19) VCF-style: chr1-236923197-C-T.
Other names: c.1743+108C>T (NM_001278344.2); c.2367+108C>T (NM_001278343.2).
Identifiers: ClinVar variation 672447 (VCV000672447.2), dbSNP rs12730862, ClinGen allele CA10961985.

ClinVar aggregate classification (germline): Benign. Review status: criteria provided, multiple submitters, no conflicts (2 of 4 stars). 2 submissions from 2 submitters: Benign (2). Last evaluated 2018-06-14.

Allele frequency attached by ClinVar (database versions not stated): 1000 Genomes Project 0.06649; 1000 Genomes Project 30x 0.06652; gnomAD 0.08118 and 0.08412; TOPMed 0.09000.
gnomAD v4.1: 67,150 of 991,366 alleles (6.8%); highest among the groups gnomAD compares: Middle Eastern, 14%; 2,747 homozygotes.

Submissions (2):

GeneDx
Classification: Benign. Last evaluated: 2018-06-14. Review status: criteria provided, single submitter. Criteria: GeneDx Variant Classification (06012015). Collection method: clinical testing. Allele origin: germline. Affected: yes.
Comment: This variant is considered likely benign or benign based on one or more of the following criteria: it is a conservative change, it occurs at a poorly conserved position in the protein, it is predicted to be benign by multiple in silico algorithms, and/or has population frequency not consistent with disease.

Breakthrough Genomics
Classification: Benign. Review status: criteria provided, single submitter. Criteria: ACMG Guidelines, 2015. Collection method: not provided. Allele origin: germline. Inheritance: Autosomal dominant inheritance. Affected: yes.